The following is an entry in ClinVar:

NM_000384.3(APOB):c.10355C>T (p.Pro3452Leu)

Gene: APOB (apolipoprotein B; minus strand). Cytogenetic location: 2p24.1.
Variant type: single nucleotide variant.
Coding change: c.10355C>T on transcript NM_000384.3 (MANE Select); coding-DNA position 10355, C replaced by T.
Protein change: p.Pro3452Leu; replaces proline 3452 with leucine.
Molecular consequence: missense variant.
Genome position (GRCh38, 1-based): chr2:21,006,513, G>A on the plus strand (C>T on the coding strand, the complement: APOB is on the minus strand). VCF-style: chr2-21006513-G-A. GRCh37 (hg19) VCF-style: chr2-21229385-G-A.
Other names: c.10355C>T (NM_000384.2); short protein forms P3452L.
Identifiers: ClinVar variation 2922999 (VCV002922999.4), dbSNP rs140647761, ClinGen allele CA043305.

ClinVar aggregate classification (germline): Conflicting classifications of pathogenicity. Review status: criteria provided, conflicting classifications (1 of 4 stars). 2 submissions from 2 submitters: Uncertain significance (1); Likely benign (1). Last evaluated 2026-01-26.

Conditions:
Cardiovascular phenotype. Identifiers: MedGen CN230736.
Hypercholesterolemia, autosomal dominant, type B (FHCL2). Also called: APOB-Related Familial Hypercholesterolemia, Autosomal Dominant; Familial Hypercholesterolemia Type B; APOLIPOPROTEIN B-100, FAMILIAL DEFECTIVE; APOLIPOPROTEIN B-100, FAMILIAL LIGAND-DEFECTIVE; HYPERCHOLESTEROLEMIA, FAMILIAL, DUE TO LIGAND-DEFECTIVE APOLIPOPROTEIN B; Hyperlipoproteinemia Type IIb. Identifiers: MedGen C1704417, MONDO:0007751, OMIM 144010.
Familial hypobetalipoproteinemia 1. Also called: Hypobetalipoproteinemia, normotriglyceridemic; Acanthocytosis with hypobetalipoproteinemia; APOB-Related Familial Hypobetalipoproteinemia. Identifiers: MedGen C4551990, MONDO:0014252, OMIM 615558.

Allele frequency attached by ClinVar (database versions not stated): 1000 Genomes Project 30x 0.00016; 1000 Genomes Project 0.00020.
gnomAD v4.1: 7 of 1,614,108 alleles (0.00043%); highest among the groups gnomAD compares: African/African-American, 0.0067%; no homozygotes.

Submissions (2):

Labcorp Genetics (formerly Invitae), Labcorp
Classification: Likely benign for Familial hypobetalipoproteinemia 1; Hypercholesterolemia, autosomal dominant, type B. Last evaluated: 2026-01-26. Review status: criteria provided, single submitter. Criteria: Invitae Variant Classification Sherloc (09022015). Collection method: clinical testing. Allele origin: germline.

Ambry Genetics
Classification: Uncertain significance for Cardiovascular phenotype. Last evaluated: 2024-03-02. Review status: criteria provided, single submitter. Criteria: Ambry Variant Classification Scheme 2023. Collection method: clinical testing. Allele origin: germline.
Comment: The p.P3452L variant (also known as c.10355C>T), located in coding exon 26 of the APOB gene, results from a C to T substitution at nucleotide position 10355. The proline at codon 3452 is replaced by leucine, an amino acid with similar properties. This amino acid position is conserved. In addition, the in silico prediction for this alteration is inconclusive. Based on the available evidence, the clinical significance of this alteration remains unclear.